The following is an entry in ClinVar:

ClinVar aggregate classification (germline): Uncertain significance (1 of 4 stars; one submission).

Conditions:
Infantile-onset X-linked spinal muscular atrophy. Also called: ARTHROGRYPOSIS, X-LINKED, TYPE I; SPINAL MUSCULAR ATROPHY, X-LINKED LETHAL INFANTILE; AMC, DISTAL, X-LINKED; Spinal muscular atrophy, X-linked 2; Spinal Muscular Atrophy, X-Linked Infantile. Identifiers: Orphanet 1145, MedGen C1844934, MONDO:0010532, OMIM 301830.

gnomAD v4.1: 26 of 1,210,847 alleles (0.0021%); highest among the groups gnomAD compares: East Asian, 0.059%; no homozygotes.

Submission:

Labcorp Genetics (formerly Invitae), Labcorp
Classification: Uncertain significance for Infantile-onset X-linked spinal muscular atrophy. Last evaluated: 2024-10-06. Review status: criteria provided, single submitter. Criteria: Invitae Variant Classification Sherloc (09022015). Collection method: clinical testing. Allele origin: germline.
Comment: This sequence change replaces threonine, which is neutral and polar, with isoleucine, which is neutral and non-polar, at codon 668 of the UBA1 protein (p.Thr668Ile). This variant is present in population databases (no rsID available, gnomAD 0.008%). This variant has not been reported in the literature in individuals affected with UBA1-related conditions. An algorithm developed to predict the effect of missense changes on protein structure and function (PolyPhen-2) suggests that this variant is likely to be tolerated. In summary, the available evidence is currently insufficient to determine the role of this variant in disease. Therefore, it has been classified as a Variant of Uncertain Significance.

NM_003334.4(UBA1):c.2003C>T (p.Thr668Ile)

Gene: UBA1 (ubiquitin like modifier activating enzyme 1; plus strand). Cytogenetic location: Xp11.3.
Variant type: single nucleotide variant.
Coding change: c.2003C>T on transcript NM_003334.4 (MANE Select); coding-DNA position 2003, C replaced by T.
Protein change: p.Thr668Ile; replaces threonine 668 with isoleucine.
Molecular consequence: missense variant.
Genome position (GRCh38, 1-based): chrX:47,209,687, C>T. VCF-style: chrX-47209687-C-T. GRCh37 (hg19) VCF-style: chrX-47069086-C-T.
Other names: c.2003C>T, p.Thr668Ile (NM_153280.3); short protein forms T668I.
Identifiers: ClinVar variation 3665464 (VCV003665464.2).